The following is an entry in ClinVar:

NM_002485.5(NBN):c.1652G>T (p.Arg551Met)

Gene: NBN (nibrin; minus strand). Cytogenetic location: 8q21.3.
Variant type: single nucleotide variant.
Coding change: c.1652G>T on transcript NM_002485.5 (MANE Select); coding-DNA position 1652, G replaced by T.
Protein change: p.Arg551Met; replaces arginine 551 with methionine.
Molecular consequence: missense variant.
Genome position (GRCh38, 1-based): chr8:89,953,437, C>A on the plus strand (G>T on the coding strand, the complement: NBN is on the minus strand). VCF-style: chr8-89953437-C-A. GRCh37 (hg19) VCF-style: chr8-90965665-C-A.
Other names: c.1406G>T, p.Arg469Met (NM_001024688.3); short protein forms R469M, R551M.
Identifiers: ClinVar variation 819756 (VCV000819756.4), dbSNP rs1586053587, ClinGen allele CA371655394.

ClinVar aggregate classification (germline): Uncertain significance (1 of 4 stars; one submission).

Conditions:
Hereditary cancer-predisposing syndrome. Also called: Neoplastic Syndromes, Hereditary; Tumor predisposition; Hereditary Cancer Syndrome; Hereditary neoplastic syndrome. Identifiers: Orphanet 140162, MedGen C0027672, MeSH D009386, MONDO:0015356.

Submission:

Ambry Genetics
Classification: Uncertain significance for Hereditary cancer-predisposing syndrome. Last evaluated: 2019-03-19. Review status: criteria provided, single submitter. Criteria: Ambry Variant Classification Scheme 2023. Collection method: clinical testing. Allele origin: germline.
Comment: The p.R551M variant (also known as c.1652G>T), located in coding exon 11 of the NBN gene, results from a G to T substitution at nucleotide position 1652. The arginine at codon 551 is replaced by methionine, an amino acid with similar properties. This amino acid position is poorly conserved in available vertebrate species. In addition, this alteration is predicted to be tolerated by in silico analysis. Since supporting evidence is limited at this time, the clinical significance of this alteration remains unclear.